The following is an entry in ClinVar:

NM_001130438.3(SPTAN1):c.6151G>A (p.Ala2051Thr)

Gene: SPTAN1 (spectrin alpha, non-erythrocytic 1; plus strand). Cytogenetic location: 9q34.11.
Variant type: single nucleotide variant.
Coding change: c.6151G>A on transcript NM_001130438.3 (MANE Select); coding-DNA position 6151, G replaced by A.
Protein change: p.Ala2051Thr; replaces alanine 2051 with threonine.
Molecular consequence: missense variant.
Genome position (GRCh38, 1-based): chr9:128,625,850, G>A. VCF-style: chr9-128625850-G-A. GRCh37 (hg19) VCF-style: chr9-131388129-G-A.
Other names: c.6076G>A, p.Ala2026Thr (NM_001195532.2); c.6151G>A, p.Ala2051Thr (NM_001363759.2); c.6091G>A, p.Ala2031Thr (NM_001363765.2); c.6136G>A, p.Ala2046Thr (NM_003127.4); short protein forms A2051T, A2026T, A2031T, A2046T.
Identifiers: ClinVar variation 512705 (VCV000512705.48), dbSNP rs777950008, ClinGen allele CA5265652.

ClinVar aggregate classification (germline): Likely benign. Review status: criteria provided, multiple submitters, no conflicts (2 of 4 stars). 4 submissions from 4 submitters: Likely benign (4). Last evaluated 2025-08-14.

Conditions:
Early-infantile DEE. Also called: Early infantile epileptic encephalopathy; Ohtahara syndrome; Early infantile epileptic encephalopathy with suppression bursts. Identifiers: Orphanet 1934, MedGen C0393706, MONDO:0800491.
Inborn genetic diseases. Identifiers: MedGen C0950123, MeSH D030342.

Allele frequency attached by ClinVar (database versions not stated): gnomAD exomes 0.00001 and 0.00004; ExAC 0.00002; TOPMed 0.00002; gnomAD 0.00003.
gnomAD v4.1: 19 of 1,614,040 alleles (0.0012%); highest among the groups gnomAD compares: East Asian, 0.0089%; no homozygotes.

Submissions (4):

Ambry Genetics
Classification: Likely benign for Inborn genetic diseases. Last evaluated: 2025-08-14. Review status: criteria provided, single submitter. Criteria: Ambry Variant Classification Scheme 2023. Collection method: clinical testing. Allele origin: germline.

Labcorp Genetics (formerly Invitae), Labcorp
Classification: Likely benign for Early-infantile DEE. Last evaluated: 2025-04-22. Review status: criteria provided, single submitter. Criteria: Invitae Variant Classification Sherloc (09022015). Collection method: clinical testing. Allele origin: germline.

CeGaT Center for Human Genetics Tuebingen
Classification: Likely benign. Last evaluated: 2021-02-01. Review status: criteria provided, single submitter. Criteria: CeGaT Center For Human Genetics Tuebingen Variant Classification Criteria Version 2. Collection method: clinical testing. Allele origin: germline. Affected: yes. Observed: 1 variant allele.

GeneDx
Classification: Likely benign. Last evaluated: 2017-10-18. Review status: criteria provided, single submitter. Criteria: GeneDx Variant Classification (06012015). Collection method: clinical testing. Allele origin: germline. Affected: yes.
Comment: This variant is considered likely benign or benign based on one or more of the following criteria: it is a conservative change, it occurs at a poorly conserved position in the protein, it is predicted to be benign by multiple in silico algorithms, and/or has population frequency not consistent with disease.